The following is an entry in ClinVar:

ClinVar aggregate classification (germline): Uncertain significance. Review status: criteria provided, multiple submitters, no conflicts (2 of 4 stars). 2 submissions from 2 submitters: Uncertain significance (2). Last evaluated 2026-05-07.

Conditions:
TSPAN12-related disorder. Also called: TSPAN12-related condition.

gnomAD v4.1: 38 of 1,613,740 alleles (0.0024%); highest among the groups gnomAD compares: Middle Eastern, 0.016%; no homozygotes.

Submissions (2):

PreventionGenetics, part of Exact Sciences
Classification: Uncertain significance for TSPAN12-related condition. Last evaluated: 2026-05-07. Review status: criteria provided, single submitter. Criteria: ACMG Guidelines, 2015. Collection method: clinical testing. Allele origin: germline.
Comment: The TSPAN12 c.254C>T variant is predicted to result in the amino acid substitution p.Thr85Met. Functional studies indicated that this variant led to unstable protein products (Xu et al. 2014. PubMed ID: 25352738). This variant is present in 0.012% of alleles in individuals of African descent in gnomAD. Although we suspect that this variant may be pathogenic, at this time, the clinical significance of this variant is uncertain due to the absence of conclusive functional and genetic evidence.

Labcorp Genetics (formerly Invitae), Labcorp
Classification: Uncertain significance. Last evaluated: 2025-06-27. Review status: criteria provided, single submitter. Criteria: Invitae Variant Classification Sherloc (09022015). Collection method: clinical testing. Allele origin: germline.
Comment: This sequence change replaces threonine, which is neutral and polar, with methionine, which is neutral and non-polar, at codon 85 of the TSPAN12 protein (p.Thr85Met). This variant is present in population databases (rs764440915, gnomAD 0.01%). This missense change has been observed in individual(s) with familial exudative vitreoretinopathy (PMID: 25352738). Invitae Evidence Modeling of protein sequence and biophysical properties (such as structural, functional, and spatial information, amino acid conservation, physicochemical variation, residue mobility, and thermodynamic stability) indicates that this missense variant is not expected to disrupt TSPAN12 protein function with a negative predictive value of 80%. Experimental studies have shown that this missense change affects TSPAN12 function (PMID: 25352738). In summary, the available evidence is currently insufficient to determine the role of this variant in disease. Therefore, it has been classified as a Variant of Uncertain Significance.

Literature cited by the submitters: PubMed 25352738 (cited by Labcorp Genetics (formerly Invitae), Labcorp).

NM_012338.4(TSPAN12):c.254C>T (p.Thr85Met)

Gene: TSPAN12 (tetraspanin 12; minus strand). Cytogenetic location: 7q31.31.
Variant type: single nucleotide variant.
Coding change: c.254C>T on transcript NM_012338.4 (MANE Select); coding-DNA position 254, C replaced by T.
Protein change: p.Thr85Met; replaces threonine 85 with methionine.
Molecular consequence: missense variant.
Genome position (GRCh38, 1-based): chr7:120,838,808, G>A on the plus strand (C>T on the coding strand, the complement: TSPAN12 is on the minus strand). VCF-style: chr7-120838808-G-A. GRCh37 (hg19) VCF-style: chr7-120478862-G-A.
Other names: c.254C>T (NM_012338.3); short protein forms T85M.
Identifiers: ClinVar variation 4709538 (VCV004709538.2).
Genomic context (GRCh38, chr7:120,838,808, plus strand): 5'-TATAATAAAGAGAAAATATAACATCATACCCATGCAAGAAGCAACAGATTTCTTTTCACC[G>A]TTCCACAATATCCTAACATCCCCACAATGATAAGGAAACAGCAAACAGCAATCATGACCG-3'
Protein context (NP_036470.1, residues 75-95): IIVGMLGYCG[Thr85Met]VKRNLLLLAW